The following is an entry in ClinVar:

NM_005450.6(NOG):c.350C>G (p.Pro117Arg)

Gene: NOG (noggin; plus strand). Cytogenetic location: 17q22.
Variant type: single nucleotide variant.
Coding change: c.350C>G on transcript NM_005450.6 (MANE Select); coding-DNA position 350, C replaced by G.
Protein change: p.Pro117Arg; replaces proline 117 with arginine.
Molecular consequence: missense variant.
Genome position (GRCh38, 1-based): chr17:56,594,573, C>G. VCF-style: chr17-56594573-C-G. GRCh37 (hg19) VCF-style: chr17-54671934-C-G.
Other names: short protein forms P117R.
Identifiers: ClinVar variation 2991494 (VCV002991494.3), dbSNP rs750997261, ClinGen allele CA8663190.

ClinVar aggregate classification (germline): Uncertain significance (1 of 4 stars; one submission).

Allele frequency attached by ClinVar (database versions not stated): gnomAD 0.00001; ExAC 0.00003.

Submission:

Labcorp Genetics (formerly Invitae), Labcorp
Classification: Uncertain significance. Last evaluated: 2022-11-26. Review status: criteria provided, single submitter. Criteria: Invitae Variant Classification Sherloc (09022015). Collection method: clinical testing. Allele origin: germline.
Comment: This variant is present in population databases (rs750997261, gnomAD 0.003%). In summary, the available evidence is currently insufficient to determine the role of this variant in disease. Therefore, it has been classified as a Variant of Uncertain Significance. Algorithms developed to predict the effect of missense changes on protein structure and function (SIFT, PolyPhen-2, Align-GVGD) all suggest that this variant is likely to be disruptive. This variant has not been reported in the literature in individuals affected with NOG-related conditions. This sequence change replaces proline, which is neutral and non-polar, with arginine, which is basic and polar, at codon 117 of the NOG protein (p.Pro117Arg).